The following is an entry in ClinVar:

ClinVar aggregate classification (germline): Benign/Likely benign. Review status: criteria provided, multiple submitters, no conflicts (2 of 4 stars). 5 submissions from 5 submitters: Benign (3); Likely benign (2). Last evaluated 2026-02-02.

Conditions:
Familial sleep-related hypermotor epilepsy. Also called: Autosomal Dominant Sleep-Related Hypermotor (Hyperkinetic) Epilepsy. Identifiers: Orphanet 98784, MedGen C3696898, MONDO:0000030.
Inborn genetic diseases. Identifiers: MedGen C0950123, MeSH D030342.

Allele frequency attached by ClinVar (database versions not stated): ESP Exome Variant Server 0.00015; gnomAD 0.00026 and 0.00031; TOPMed 0.00027; gnomAD exomes 0.00052; ExAC 0.00062; 1000 Genomes Project 30x 0.00094; 1000 Genomes Project 0.00100.

Submissions (5):

Labcorp Genetics (formerly Invitae), Labcorp
Classification: Benign. Last evaluated: 2026-02-02. Review status: criteria provided, single submitter. Criteria: Invitae Variant Classification Sherloc (09022015). Collection method: clinical testing. Allele origin: germline.

Athena Diagnostics
Classification: Benign. Last evaluated: 2025-03-26. Review status: criteria provided, single submitter. Criteria: Athena Diagnostics Criteria. Collection method: clinical testing. Allele origin: unknown.
Comment: The frequency of this variant in the general population is higher than would generally be expected for pathogenic variants in this gene.

Blueprint Genetics
Classification: Likely benign. Last evaluated: 2024-11-08. Review status: criteria provided, single submitter. Criteria: ACMG Guidelines, 2015. Collection method: clinical testing. Allele origin: germline.

GeneDx
Classification: Benign. Last evaluated: 2021-02-26. Review status: criteria provided, single submitter. Criteria: GeneDx Variant Classification Process June 2021. Collection method: clinical testing. Allele origin: germline. Affected: yes.

Ambry Genetics
Classification: Likely benign for Inborn genetic diseases. Last evaluated: 2018-02-01. Review status: criteria provided, single submitter. Criteria: Ambry Variant Classification Scheme 2023. Collection method: clinical testing. Allele origin: germline.

Literature cited by the submitters: PubMed 19139070 (cited by Athena Diagnostics).

NM_000744.7(CHRNA4):c.1550C>T (p.Ser517Leu)

Gene: CHRNA4 (cholinergic receptor nicotinic alpha 4 subunit; minus strand). Cytogenetic location: 20q13.33.
Variant type: single nucleotide variant.
Coding change: c.1550C>T on transcript NM_000744.7 (MANE Select); coding-DNA position 1550, C replaced by T.
Protein change: p.Ser517Leu; replaces serine 517 with leucine.
Molecular consequence: missense variant. On other transcripts: non-coding transcript variant (1).
Genome position (GRCh38, 1-based): chr20:63,349,861, G>A on the plus strand (C>T on the coding strand, the complement: CHRNA4 is on the minus strand). VCF-style: chr20-63349861-G-A. GRCh37 (hg19) VCF-style: chr20-61981213-G-A.
Other names: p.S517L:TCG>TTG; c.1022C>T, p.Ser341Leu (NM_001256573.2); short protein forms S517L, S341L.
Identifiers: ClinVar variation 205001 (VCV000205001.20), dbSNP rs45622132, ClinGen allele CA313522.